The following is an entry in ClinVar:

ClinVar aggregate classification (germline): Uncertain significance (1 of 4 stars; one submission).

Submission:

GeneDx
Classification: Uncertain significance. Last evaluated: 2025-05-15. Review status: criteria provided, single submitter. Criteria: GeneDx Variant Classification Process June 2021. Collection method: clinical testing. Allele origin: germline. Affected: yes.
Comment: Not observed at significant frequency in large population cohorts (gnomAD); In silico analysis supports that this missense variant has a deleterious effect on protein structure/function; Has not been previously published as pathogenic or benign to our knowledge

NM_138694.4(PKHD1):c.1007A>T (p.Asp336Val)

Gene: PKHD1 (PKHD1 ciliary IPT domain containing fibrocystin/polyductin; minus strand). Cytogenetic location: 6p12.2.
Variant type: single nucleotide variant.
Coding change: c.1007A>T on transcript NM_138694.4 (MANE Select); coding-DNA position 1007, A replaced by T.
Protein change: p.Asp336Val; replaces aspartic acid 336 with valine.
Molecular consequence: missense variant.
Genome position (GRCh38, 1-based): chr6:52,062,630, T>A on the plus strand (A>T on the coding strand, the complement: PKHD1 is on the minus strand). VCF-style: chr6-52062630-T-A. GRCh37 (hg19) VCF-style: chr6-51927428-T-A.
Other names: c.1007A>T, p.Asp336Val (NM_170724.3); short protein forms D336V.
Identifiers: ClinVar variation 4529878 (VCV004529878.1).